The following is an entry in ClinVar:

ClinVar aggregate classification (germline): Uncertain significance (1 of 4 stars; one submission).

gnomAD v4.1: 4 of 1,614,148 alleles (0.00025%); highest among the groups gnomAD compares: Non-Finnish European, 0.00034%; no homozygotes.

Submission:

GeneDx
Classification: Uncertain significance. Last evaluated: 2024-08-21. Review status: criteria provided, single submitter. Criteria: GeneDx Variant Classification Process June 2021. Collection method: clinical testing. Allele origin: germline. Affected: yes.
Comment: Not observed at significant frequency in large population cohorts (gnomAD); In silico analysis indicates that this missense variant does not alter protein structure/function; Has not been previously published as pathogenic or benign to our knowledge

NM_007118.4(TRIO):c.3103A>C (p.Lys1035Gln)

Gene: TRIO (trio Rho guanine nucleotide exchange factor; plus strand). Cytogenetic location: 5p15.2.
Variant type: single nucleotide variant.
Coding change: c.3103A>C on transcript NM_007118.4 (MANE Select); coding-DNA position 3103, A replaced by C.
Protein change: p.Lys1035Gln; replaces lysine 1035 with glutamine.
Molecular consequence: missense variant. On other transcripts: non-coding transcript variant (1).
Genome position (GRCh38, 1-based): chr5:14,369,410, A>C. VCF-style: chr5-14369410-A-C. GRCh37 (hg19) VCF-style: chr5-14369519-A-C.
Other names: short protein forms K1035Q.
Identifiers: ClinVar variation 3764453 (VCV003764453.1).